The following is an entry in ClinVar:

ClinVar aggregate classification (germline): Uncertain significance (1 of 4 stars; one submission).

Submission:

Women's Health and Genetics/Laboratory Corporation of America, LabCorp
Classification: Uncertain significance. Last evaluated: 2025-07-09. Review status: criteria provided, single submitter. Criteria: LabCorp Variant Classification Summary - May 2015. Collection method: clinical testing. Allele origin: germline.
Comment: Variant summary: GCH1 c.304A>T (p.Met102Leu) results in a conservative amino acid change in the encoded protein sequence. Algorithms developed to predict the effect of missense changes on protein structure and function are either unavailable or do not agree on the potential impact of this missense change. The variant was absent in 248392 control chromosomes. The available data on variant occurrences in the general population are insufficient to allow any conclusion about variant significance. c.304A>T has been observed in an individual affected with early onset (before 50 years of age) Parskinson's disease (Pan_2020). This report does not provide unequivocal conclusions about association of the variant with GTP Cyclohydrolase I Deficiency or other GCH1-related disorders. To our knowledge, no experimental evidence demonstrating an impact on protein function has been reported. The following publication has been ascertained in the context of this evaluation (PMID: 32746945). No submitters have cited clinical-significance assessments for this variant to ClinVar. Based on the evidence outlined above, the variant was classified as uncertain significance.

Literature cited by the submitters: PubMed 32746945.

NM_000161.3(GCH1):c.304A>T (p.Met102Leu)

Gene: GCH1 (GTP cyclohydrolase 1; minus strand). Cytogenetic location: 14q22.2.
Variant type: single nucleotide variant.
Coding change: c.304A>T on transcript NM_000161.3 (MANE Select); coding-DNA position 304, A replaced by T.
Protein change: p.Met102Leu; replaces methionine 102 with leucine.
Molecular consequence: missense variant.
Genome position (GRCh38, 1-based): chr14:54,902,360, T>A on the plus strand (A>T on the coding strand, the complement: GCH1 is on the minus strand). VCF-style: chr14-54902360-T-A. GRCh37 (hg19) VCF-style: chr14-55369078-T-A.
Other names: c.304A>T, p.Met102Leu (NM_001024024.2, NM_001024070.2, NM_001024071.2 and 1 more transcripts); short protein forms M102L.
Identifiers: ClinVar variation 4526031 (VCV004526031.1).